The following is an entry in ClinVar:

ClinVar aggregate classification (germline): Uncertain significance (1 of 4 stars; one submission).

Conditions:
COL4A6-related disorder. Also called: COL4A6-related condition.

gnomAD v4.1: 2 of 1,212,356 alleles (0.00016%); highest among the groups gnomAD compares: African/African-American, 0.0034%; no homozygotes.

Submission:

PreventionGenetics, part of Exact Sciences
Classification: Uncertain significance for COL4A6-related condition. Last evaluated: 2026-07-15. Review status: criteria provided, single submitter. Criteria: ACMG Guidelines, 2015. Collection method: clinical testing. Allele origin: germline.
Comment: The COL4A6 c.3364G>A variant is predicted to result in the amino acid substitution p.Asp1122Asn. To our knowledge, this variant has not been reported in the literature or in a large population database (gnomAD), indicating this variant is rare. At this time, the clinical significance of this variant is uncertain due to the absence of conclusive functional and genetic evidence.

NM_033641.4(COL4A6):c.3361G>A (p.Asp1121Asn)

Gene: COL4A6 (collagen type IV alpha 6 chain; minus strand). Cytogenetic location: Xq22.3.
Variant type: single nucleotide variant.
Coding change: c.3361G>A on transcript NM_033641.4 (MANE Select); coding-DNA position 3361, G replaced by A.
Protein change: p.Asp1121Asn; replaces aspartic acid 1121 with asparagine.
Molecular consequence: missense variant.
Genome position (GRCh38, 1-based): chrX:108,170,834, C>T on the plus strand (G>A on the coding strand, the complement: COL4A6 is on the minus strand). VCF-style: chrX-108170834-C-T. GRCh37 (hg19) VCF-style: chrX-107414064-C-T.
Other names: c.3412G>A, p.Asp1138Asn (NM_001287758.2); c.3361G>A, p.Asp1121Asn (NM_001287759.2, NM_001287760.2, NM_001440760.1); c.3364G>A, p.Asp1122Asn (NM_001440759.1, NM_001847.4); short protein forms D1122N, D1138N, D1121N.
Identifiers: ClinVar variation 4984648 (VCV004984648.1).